The following is an entry in ClinVar:

NM_005422.4(TECTA):c.1048C>T (p.Arg350Ter)

Genes: TBCEL-TECTA (TBCEL-TECTA readthrough; plus strand), TECTA (tectorin alpha; plus strand). Cytogenetic location: 11q23.3.
Variant type: single nucleotide variant.
Coding change: c.1048C>T on transcript NM_005422.4 (MANE Select); coding-DNA position 1048, C replaced by T.
Protein change: p.Arg350Ter; replaces arginine 350 with a stop codon.
Molecular consequence: nonsense.
Genome position (GRCh38, 1-based): chr11:121,118,563, C>T. VCF-style: chr11-121118563-C-T. GRCh37 (hg19) VCF-style: chr11-120989272-C-T.
Other names: c.2005C>T, p.Arg669Ter (NM_001378761.1); short protein forms R350*, R669*.
Identifiers: ClinVar variation 2087823 (VCV002087823.7), dbSNP rs1946523602, ClinGen allele CA383008336.

ClinVar aggregate classification (germline): Pathogenic/Likely pathogenic. Review status: criteria provided, multiple submitters, no conflicts (2 of 4 stars). 4 submissions from 4 submitters: Pathogenic (2); Likely pathogenic (2). Last evaluated 2023-04-05.

Conditions:
Autosomal dominant nonsyndromic hearing loss 12. Also called: DEAFNESS, AUTOSOMAL DOMINANT 8. Identifiers: Orphanet 90635, MedGen C1832187, MONDO:0011102, OMIM 601543.
Autosomal recessive nonsyndromic hearing loss 21. Identifiers: Orphanet 90636, MedGen C1863655, MONDO:0011351, OMIM 603629.
TECTA-related disorder. Also called: TECTA-related condition.

Allele frequency attached by ClinVar (database versions not stated): gnomAD exomes below 0.00001.
gnomAD v4.1: 5 of 1,614,182 alleles (0.00031%); highest among the groups gnomAD compares: African/African-American, 0.0013%; no homozygotes.

Submissions (4):

Blueprint Genetics
Classification: Likely pathogenic for TECTA-related disorders. Last evaluated: 2023-04-05. Review status: criteria provided, single submitter. Criteria: ACMG Guidelines, 2015. Collection method: clinical testing. Allele origin: germline. Affected: yes. Observed: 3 variant alleles.

Labcorp Genetics (formerly Invitae), Labcorp
Classification: Pathogenic. Last evaluated: 2022-10-24. Review status: criteria provided, single submitter. Criteria: Invitae Variant Classification Sherloc (09022015). Collection method: clinical testing. Allele origin: germline.
Comment: For these reasons, this variant has been classified as Pathogenic. This variant has not been reported in the literature in individuals affected with TECTA-related conditions. This variant is not present in population databases (gnomAD no frequency). This sequence change creates a premature translational stop signal (p.Arg350*) in the TECTA gene. It is expected to result in an absent or disrupted protein product. Loss-of-function variants in TECTA are known to be pathogenic (PMID: 11087000, 12746400, 17431902, 24130743).

Precision Medicine Center, Zhengzhou University
Classification: Pathogenic for Autosomal dominant nonsyndromic hearing loss 12. Last evaluated: 2006-06-30. Review status: criteria provided, single submitter. Criteria: ClinGen HL ACMG Specifications v1. Collection method: clinical testing. Allele origin: de novo. Affected: yes.
Comment: PVS1+PM2+PM5:The TECTA c.1048C>T variant is a single nucleotide substitution in the coding region of TECTA. This variant is predicted to introduce a premature termination codon (nonsense variant), resulting in a truncated protein or triggering nonsense-mediated mRNA decay. Although TECTA-related hearing loss can involve both dominant and recessive mechanisms depending on the affected protein domain, loss of function is an established disease mechanism for several TECTA-related phenotypes; therefore, this variant meets the PVS1 criterion. The variant is absent or extremely rare in population databases, including gnomAD, supporting its rarity in the general population (PM2). In addition, this variant occurs at an amino acid residue where a different pathogenic missense variant has previously been reported, supporting (PMID: 31554319)(PM5). Based on the ACMG/AMP guidelines, this variant is classified as Pathogenic.

Juno Genomics, Hangzhou Juno Genomics, Inc
Classification: Likely pathogenic for Autosomal dominant nonsyndromic hearing loss 12; Autosomal recessive nonsyndromic hearing loss 21. Review status: criteria provided, single submitter. Criteria: ACMG Guidelines, 2015. Collection method: clinical testing. Allele origin: germline. Affected: yes.
Comment: Absent from controls (or at extremely low frequency if recessive) in Genome Aggregation Database, Exome Sequencing Project, 1000 Genomes Project, or Exome Aggregation Consortium.;Null variant in a gene where loss of function (LOF) is a known mechanism of disease.

Literature cited by the submitters: PubMed 11087000 (cited by Labcorp Genetics (formerly Invitae), Labcorp); PubMed 12746400 (cited by Labcorp Genetics (formerly Invitae), Labcorp); PubMed 17431902 (cited by Labcorp Genetics (formerly Invitae), Labcorp); PubMed 24130743 (cited by Labcorp Genetics (formerly Invitae), Labcorp); PubMed 31554319 (cited by Precision Medicine Center, Zhengzhou University).